The following is an entry in ClinVar:

ClinVar aggregate classification (germline): Likely pathogenic. Review status: criteria provided, single submitter (1 of 4 stars). 3 submissions from 2 submitters: Likely pathogenic (1). 2 of the submissions do not count toward it.

Conditions:
Bartter syndrome with hypocalcemia. Also called: Hypocalcemia, autosomal dominant 1, with bartter syndrome. Identifiers: MedGen C4552089, MONDO:0016983.
Autosomal dominant hypocalcemia 1 (HYPOC1). Also called: HYPOCALCEMIA, FAMILIAL. Identifiers: MedGen C3715128, MONDO:0011013, OMIM 601198.

Submissions (3):

Neuberg Centre For Genomic Medicine, NCGM
Classification: Likely pathogenic for Autosomal dominant hypocalcemia 1. Review status: criteria provided, single submitter. Criteria: ACMG Guidelines, 2015. Collection method: clinical testing. Allele origin: germline. Inheritance: Autosomal dominant inheritance. Affected: yes.
Comment: The CASR c.2528C>A (p.Ala843Glu) variant has been reported in heterozygous state in individuals affected with Hyperparathyroidism, Neonatal Severe (Egbuna and Brown, 2008). This variant has been submitted to ClinVar as Pathogenic. The p.Ala843Glu variant is novel (not in any individuals) in gnomAD Exomes and 1000 Genomes. The amino acid Ala at position 843 is changed to a Glu changing protein sequence and it might alter its composition and physicochemical properties. The amino acid change p.Ala843Glu in CASR is predicted as conserved by GERP++ and PhyloP across 100 vertebrates. For these reasons, this variant has been classified as Likely Pathogenic.

OMIM
Classification: Pathogenic for HYPOCALCEMIA, AUTOSOMAL DOMINANT 1, WITH BARTTER SYNDROME. Last evaluated: 2002-08-31. Review status: no assertion criteria provided. Collection method: literature only. Allele origin: germline. Not counted in ClinVar's aggregate classification.

OMIM
Classification: Pathogenic for HYPOCALCEMIA, AUTOSOMAL DOMINANT 1. Last evaluated: 2002-08-31. Review status: no assertion criteria provided. Collection method: literature only. Allele origin: germline. Not counted in ClinVar's aggregate classification.

Literature cited by the submitters: PubMed 12241879 (cited by OMIM); PubMed 11152759 (cited by OMIM); PubMed 12107202 (cited by OMIM).

NM_000388.4(CASR):c.2528C>A (p.Ala843Glu)

Gene: CASR (calcium sensing receptor; plus strand). Cytogenetic location: 3q21.1.
Variant type: single nucleotide variant.
Coding change: c.2528C>A on transcript NM_000388.4 (MANE Select); coding-DNA position 2528, C replaced by A.
Protein change: p.Ala843Glu; replaces alanine 843 with glutamic acid.
Molecular consequence: missense variant.
Genome position (GRCh38, 1-based): chr3:122,284,482, C>A. VCF-style: chr3-122284482-C-A. GRCh37 (hg19) VCF-style: chr3-122003329-C-A.
Other names: c.2558C>A, p.Ala853Glu (NM_001178065.2); short protein forms A843E, A853E.
Identifiers: ClinVar variation 8343 (VCV000008343.1), dbSNP rs104893706, ClinGen allele CA119519.